The following is an entry in ClinVar:

ClinVar aggregate classification (germline): Uncertain significance (1 of 4 stars; one submission).

Allele frequency attached by ClinVar (database versions not stated): gnomAD exomes below 0.00001.
gnomAD v4.1: 2 of 1,609,180 alleles (0.00012%); highest among the groups gnomAD compares: Non-Finnish European, 0.000085%; no homozygotes.

Submission:

Labcorp Genetics (formerly Invitae), Labcorp
Classification: Uncertain significance. Last evaluated: 2022-07-23. Review status: criteria provided, single submitter. Criteria: Invitae Variant Classification Sherloc (09022015). Collection method: clinical testing. Allele origin: germline.
Comment: This sequence change replaces alanine, which is neutral and non-polar, with threonine, which is neutral and polar, at codon 625 of the ADAM9 protein (p.Ala625Thr). This variant is not present in population databases (gnomAD no frequency). This variant has not been reported in the literature in individuals affected with ADAM9-related conditions. Algorithms developed to predict the effect of missense changes on protein structure and function (SIFT, PolyPhen-2, Align-GVGD) all suggest that this variant is likely to be tolerated. In summary, the available evidence is currently insufficient to determine the role of this variant in disease. Therefore, it has been classified as a Variant of Uncertain Significance.

NM_003816.3(ADAM9):c.1873G>A (p.Ala625Thr)

Gene: ADAM9 (ADAM metallopeptidase domain 9; plus strand). Cytogenetic location: 8p11.22.
Variant type: single nucleotide variant.
Coding change: c.1873G>A on transcript NM_003816.3 (MANE Select); coding-DNA position 1873, G replaced by A.
Protein change: p.Ala625Thr; replaces alanine 625 with threonine.
Molecular consequence: missense variant. On other transcripts: non-coding transcript variant (3).
Genome position (GRCh38, 1-based): chr8:39,077,403, G>A. VCF-style: chr8-39077403-G-A. GRCh37 (hg19) VCF-style: chr8-38934922-G-A.
Other names: short protein forms A625T.
Identifiers: ClinVar variation 1713560 (VCV001713560.3), dbSNP rs1241535870, ClinGen allele CA370746828.
Genomic context (GRCh38, chr8:39,077,403, plus strand): 5'-TTCCAGCTAGGATCAGATGTTCCAGATCCTGGGATGGTTAACGAAGGCACAAAATGTGGT[G>A]CTGGAAAGGTAATCAAAATATTTTTTATTTACAAAGTAAAATGAAAAAAATTAAAAAAAT-3'
Protein context (NP_003807.1, residues 615-635): GMVNEGTKCG[Ala625Thr]GKICRNFQCV